The following is an entry in ClinVar:

NM_020774.4(MIB1):c.952C>T (p.Arg318Ter)

Gene: MIB1 (MIB E3 ubiquitin protein ligase 1; plus strand). Cytogenetic location: 18q11.2.
Variant type: single nucleotide variant.
Coding change: c.952C>T on transcript NM_020774.4 (MANE Select); coding-DNA position 952, C replaced by T.
Protein change: p.Arg318Ter; replaces arginine 318 with a stop codon.
Molecular consequence: nonsense.
Genome position (GRCh38, 1-based): chr18:21,791,417, C>T. VCF-style: chr18-21791417-C-T. GRCh37 (hg19) VCF-style: chr18-19371378-C-T.
Other names: short protein forms R318*.
Identifiers: ClinVar variation 450475 (VCV000450475.4), dbSNP rs142475589, ClinGen allele CA8908166.

ClinVar aggregate classification (germline): Uncertain significance (1 of 4 stars; one submission).

Allele frequency attached by ClinVar (database versions not stated): TOPMed 0.00005; gnomAD 0.00006; ESP Exome Variant Server 0.00008; 1000 Genomes Project 30x 0.00016; 1000 Genomes Project 0.00020.
gnomAD v4.1: 58 of 1,613,512 alleles (0.0036%); highest among the groups gnomAD compares: Admixed American, 0.005%; no homozygotes.

Submission:

GeneDx
Classification: Uncertain significance. Last evaluated: 2021-05-28. Review status: criteria provided, single submitter. Criteria: GeneDx Variant Classification Process June 2021. Collection method: clinical testing. Allele origin: germline. Affected: yes.
Comment: Has not been previously published as pathogenic or benign to our knowledge; Nonsense variant predicted to result in protein truncation or nonsense mediated decay in a gene for which loss-of-function is not a known mechanism of disease; This variant is associated with the following publications: (PMID: 27535533)